The following is an entry in ClinVar:

ClinVar aggregate classification (germline): Conflicting classifications of pathogenicity. Review status: criteria provided, conflicting classifications (1 of 4 stars). 9 submissions from 9 submitters: Uncertain significance (3); Benign (1); Likely benign (5). Last evaluated 2026-01-26.

Conditions:
Cardiovascular phenotype. Identifiers: MedGen CN230736.
Cutis laxa, autosomal recessive, type 1B (ARCL1B). Also called: CUTIS LAXA, AUTOSOMAL RECESSIVE, TYPE IB; EFEMP2-Related Cutis Laxa. Identifiers: Orphanet 90349, MedGen C3280798, MONDO:0013754, OMIM 614437. Disease mechanism: loss of function.
Familial thoracic aortic aneurysm and aortic dissection (TAAD). Also called: Thoracic aortic aneurysms and dissections. Identifiers: Orphanet 91387, MedGen C4707243, MONDO:0019625.

Allele frequency attached by ClinVar (database versions not stated): TOPMed 0.00019; ESP Exome Variant Server 0.00023; gnomAD exomes 0.00047 and 0.00061; ExAC 0.00059; gnomAD 0.00081 and 0.00085.
gnomAD v4.1: 793 of 1,613,824 alleles (0.049%); highest among the groups gnomAD compares: Non-Finnish European, 0.037%; no homozygotes.

Submissions (9):

Labcorp Genetics (formerly Invitae), Labcorp
Classification: Likely benign for Cutis laxa, autosomal recessive, type 1B. Last evaluated: 2026-01-26. Review status: criteria provided, single submitter. Criteria: Invitae Variant Classification Sherloc (09022015). Collection method: clinical testing. Allele origin: germline.

Women's Health and Genetics/Laboratory Corporation of America, LabCorp
Classification: Uncertain significance. Last evaluated: 2025-12-02. Review status: criteria provided, single submitter. Criteria: LabCorp Variant Classification Summary - May 2015. Collection method: clinical testing. Allele origin: germline.
Comment: Variant summary: EFEMP2 c.934A>G (p.Thr312Ala) results in a non-conservative amino acid change located in the EGF-like domain (IPR000742) of the encoded protein sequence. Algorithms developed to predict the effect of missense changes on protein structure and function are either unavailable or do not agree on the potential impact of this missense change. The variant allele was found at a frequency of 0.00061 in 251024 control chromosomes. This frequency is not significantly higher than estimated for disease-causing variants in EFEMP2, allowing no conclusion about variant significance. To our knowledge, no occurrence of c.934A>G in individuals affected with EFEMP2-related conditions and no experimental evidence demonstrating its impact on protein function have been reported. ClinVar contains an entry for this variant (Variation ID: 305379). Based on the evidence outlined above, the variant was classified as uncertain significance.

Molecular Diagnostic Laboratory for Inherited Cardiovascular Disease, Montreal Heart Institute
Classification: Likely benign. Last evaluated: 2025-04-09. Review status: criteria provided, single submitter. Criteria: ACMG Guidelines, 2015. Collection method: clinical testing. Allele origin: germline. Affected: no.
Comment: BS1, BP4.

Blueprint Genetics
Classification: Likely benign. Last evaluated: 2024-11-18. Review status: criteria provided, single submitter. Criteria: ACMG Guidelines, 2015. Collection method: clinical testing. Allele origin: germline.

ARUP Laboratories, Molecular Genetics and Genomics, ARUP Laboratories
Classification: Uncertain significance for Cutis laxa, autosomal recessive, type 1B. Last evaluated: 2024-08-07. Review status: criteria provided, single submitter. Criteria: ARUP Molecular Germline Variant Investigation Process 2024. Collection method: clinical testing. Allele origin: germline.
Comment: The EFEMP2 c.934A>G; p.Thr312Ala variant (rs148410446), to our knowledge, is not reported in the medical literature or gene specific databases. This variant is found in the general population with an overall allele frequency of 0.07 % (198 /282,392 alleles) in the Genome Aggregation Database. The threonine at codon 312 is highly conserved, but computational analyses are uncertain whether this variant is neutral or deleterious (REVEL: 0.38). Due to limited information, the clinical significance of the p.Thr312Ala variant is uncertain at this time.

CHEO Genetics Diagnostic Laboratory, Children's Hospital of Eastern Ontario
Classification: Likely benign for Familial thoracic aortic aneurysm and aortic dissection. Last evaluated: 2023-01-17. Review status: criteria provided, single submitter. Criteria: ACMG Guidelines, 2015. Collection method: clinical testing. Allele origin: germline.

GeneDx
Classification: Likely benign. Last evaluated: 2020-10-07. Review status: criteria provided, single submitter. Criteria: GeneDx Variant Classification Process June 2021. Collection method: clinical testing. Allele origin: germline. Affected: yes.

Ambry Genetics
Classification: Benign for Cardiovascular phenotype. Last evaluated: 2019-09-09. Review status: criteria provided, single submitter. Criteria: Ambry Variant Classification Scheme 2023. Collection method: clinical testing. Allele origin: germline.

Illumina Laboratory Services, Illumina
Classification: Uncertain significance for Cutis laxa, autosomal recessive, type 1B. Last evaluated: 2018-01-12. Review status: criteria provided, single submitter. Criteria: ICSL Variant Classification Criteria 13 December 2019. Collection method: clinical testing. Allele origin: germline.

NM_016938.5(EFEMP2):c.934A>G (p.Thr312Ala)

Gene: EFEMP2 (EGF-like fibulin extracellular matrix protein 2; minus strand). Cytogenetic location: 11q13.1.
Variant type: single nucleotide variant.
Coding change: c.934A>G on transcript NM_016938.5 (MANE Select); coding-DNA position 934, A replaced by G.
Protein change: p.Thr312Ala; replaces threonine 312 with alanine.
Molecular consequence: missense variant. On other transcripts: non-coding transcript variant (1).
Genome position (GRCh38, 1-based): chr11:65,868,335, T>C on the plus strand (A>G on the coding strand, the complement: EFEMP2 is on the minus strand). VCF-style: chr11-65868335-T-C. GRCh37 (hg19) VCF-style: chr11-65635806-T-C.
Other names: short protein forms T312A.
Identifiers: ClinVar variation 305379 (VCV000305379.31), dbSNP rs148410446, ClinGen allele CA6110481.